The following is an entry in ClinVar:

ClinVar aggregate classification (germline): Likely benign. Review status: criteria provided, multiple submitters, no conflicts (2 of 4 stars). 2 submissions from 2 submitters: Likely benign (2). Last evaluated 2026-04-28.

Conditions:
Colorectal cancer, hereditary nonpolyposis, type 7. Identifiers: Orphanet 144, MedGen C1858380, MONDO:0013725, OMIM 614385.

Allele frequency attached by ClinVar (database versions not stated): 1000 Genomes Project 30x 0.00016; TOPMed 0.00007; ESP Exome Variant Server 0.00015; ExAC 0.00002; gnomAD 0.00009 and 0.00008; gnomAD exomes 0.00002; 1000 Genomes Project 0.00020.

Submissions (2):

Myriad Genetics, Inc.
Classification: Likely benign for Colorectal cancer, hereditary nonpolyposis, type 7. Last evaluated: 2026-04-28. Review status: criteria provided, single submitter. Criteria: Myriad Autosomal Dominant, Autosomal Recessive and X-Linked Classification Criteria (2023). Collection method: clinical testing. Allele origin: unknown.
Comment: This variant is considered likely benign. This variant is intronic and is not expected to impact mRNA splicing.

Labcorp Genetics (formerly Invitae), Labcorp
Classification: Likely benign for Colorectal cancer, hereditary nonpolyposis, type 7. Last evaluated: 2022-10-04. Review status: criteria provided, single submitter. Criteria: Invitae Variant Classification Sherloc (09022015). Collection method: clinical testing. Allele origin: germline.

NM_001040108.2(MLH3):c.4091-13G>C

Gene: MLH3 (mutL homolog 3; minus strand). Cytogenetic location: 14q24.3.
Variant type: single nucleotide variant.
Coding change: c.4091-13G>C on transcript NM_001040108.2 (MANE Select); 13 bases into the intron before coding-DNA position 4091, G replaced by C.
Molecular consequence: intron variant.
Genome position (GRCh38, 1-based): chr14:75,018,993, C>G on the plus strand (G>C on the coding strand, the complement: MLH3 is on the minus strand). VCF-style: chr14-75018993-C-G. GRCh37 (hg19) VCF-style: chr14-75485696-C-G.
Other names: c.4019-13G>C (NM_014381.3).
Identifiers: ClinVar variation 1574847 (VCV001574847.9), dbSNP rs369368840, ClinGen allele CA7275223.